The following is an entry in ClinVar:

NM_000260.4(MYO7A):c.4569-261C>T

Gene: MYO7A (myosin VIIA; plus strand). Cytogenetic location: 11q13.5.
Variant type: single nucleotide variant.
Coding change: c.4569-261C>T on transcript NM_000260.4 (MANE Select); 261 bases into the intron before coding-DNA position 4569, C replaced by T.
Molecular consequence: intron variant.
Genome position (GRCh38, 1-based): chr11:77,199,274, C>T. VCF-style: chr11-77199274-C-T. GRCh37 (hg19) VCF-style: chr11-76910319-C-T.
Other names: c.4536-375C>T (NM_001369365.1); c.4569-375C>T (NM_001127180.2).
Identifiers: ClinVar variation 680669 (VCV000680669.1), dbSNP rs3781691, ClinGen allele CA15692988.

ClinVar aggregate classification (germline): Benign (1 of 4 stars; one submission).

Allele frequency attached by ClinVar (database versions not stated): 1000 Genomes Project 30x 0.45862; 1000 Genomes Project 0.46046; TOPMed 0.49619; gnomAD 0.49803 and 0.50255.
gnomAD v4.1: 75,725 of 152,060 alleles (50%); highest among the groups gnomAD compares: Admixed American, 59%; 19,334 homozygotes.

Submission:

GeneDx
Classification: Benign. Last evaluated: 2018-06-14. Review status: criteria provided, single submitter. Criteria: GeneDx Variant Classification (06012015). Collection method: clinical testing. Allele origin: germline. Affected: yes.
Comment: This variant is considered likely benign or benign based on one or more of the following criteria: it is a conservative change, it occurs at a poorly conserved position in the protein, it is predicted to be benign by multiple in silico algorithms, and/or has population frequency not consistent with disease.